The following is an entry in ClinVar:

NM_003128.3(SPTBN1):c.65A>G (p.Asn22Ser)

Genes: SPTBN1 (spectrin beta, non-erythrocytic 1; plus strand), SPTBN1-AS1 (SPTBN1 antisense RNA 1; minus strand). Cytogenetic location: 2p16.2.
Variant type: single nucleotide variant.
Coding change: c.65A>G on transcript NM_003128.3 (MANE Select); coding-DNA position 65, A replaced by G.
Protein change: p.Asn22Ser; replaces asparagine 22 with serine.
Molecular consequence: missense variant.
Genome position (GRCh38, 1-based): chr2:54,526,483, A>G. VCF-style: chr2-54526483-A-G. GRCh37 (hg19) VCF-style: chr2-54753620-A-G.
Other names: short protein forms N22S.
Identifiers: ClinVar variation 3900929 (VCV003900929.1).

ClinVar aggregate classification (germline): Uncertain significance (1 of 4 stars; one submission).

gnomAD v4.1: 4 of 1,614,226 alleles (0.00025%); highest among the groups gnomAD compares: Non-Finnish European, 0.00034%; no homozygotes.

Submission:

GeneDx
Classification: Uncertain significance. Last evaluated: 2024-11-27. Review status: criteria provided, single submitter. Criteria: GeneDx Variant Classification Process June 2021. Collection method: clinical testing. Allele origin: germline. Affected: yes.
Comment: Not observed at significant frequency in large population cohorts (gnomAD); In silico analysis supports that this missense variant has a deleterious effect on protein structure/function; Has not been previously published as pathogenic or benign to our knowledge